The following is an entry in ClinVar:

ClinVar aggregate classification (germline): Uncertain significance. Review status: criteria provided, multiple submitters, no conflicts (2 of 4 stars). 4 submissions from 4 submitters: Uncertain significance (4). Last evaluated 2025-08-18.

Conditions:
Inborn genetic diseases. Identifiers: MedGen C0950123, MeSH D030342.
Colorectal cancer. Also called: Malignant Colorectal Neoplasm; Colorectal cancer, somatic. Identifiers: MedGen C0346629, MONDO:0005575, OMIM 114500.
Mosaic variegated aneuploidy syndrome 1 (MVA1). Also called: Warburton-Anyane-Yeboa syndrome. Identifiers: Orphanet 1052, MedGen C1850343, MONDO:0009759, OMIM 257300.

Allele frequency attached by ClinVar (database versions not stated): ExAC 0.00002; gnomAD 0.00003 and 0.00004; gnomAD exomes 0.00004; TOPMed 0.00005.
gnomAD v4.1: 66 of 1,613,322 alleles (0.0041%); highest among the groups gnomAD compares: Middle Eastern, 0.016%; no homozygotes.

Submissions (4):

Labcorp Genetics (formerly Invitae), Labcorp
Classification: Uncertain significance for Mosaic variegated aneuploidy syndrome 1. Last evaluated: 2025-08-18. Review status: criteria provided, single submitter. Criteria: Invitae Variant Classification Sherloc (09022015). Collection method: clinical testing. Allele origin: germline.
Comment: This sequence change replaces glutamine, which is neutral and polar, with proline, which is neutral and non-polar, at codon 461 of the BUB1B protein (p.Gln461Pro). This variant is present in population databases (rs747886467, gnomAD 0.007%). This variant has not been reported in the literature in individuals affected with BUB1B-related conditions. ClinVar contains an entry for this variant (Variation ID: 403743). An algorithm developed to predict the effect of missense changes on protein structure and function (PolyPhen-2) suggests that this variant is likely to be tolerated. In summary, the available evidence is currently insufficient to determine the role of this variant in disease. Therefore, it has been classified as a Variant of Uncertain Significance.

Ambry Genetics
Classification: Uncertain significance for Inborn genetic diseases. Last evaluated: 2023-02-03. Review status: criteria provided, single submitter. Criteria: Ambry Variant Classification Scheme 2023. Collection method: clinical testing. Allele origin: germline.
Comment: The p.Q461P variant (also known as c.1382A>C), located in coding exon 10 of the BUB1B gene, results from an A to C substitution at nucleotide position 1382. The glutamine at codon 461 is replaced by proline, an amino acid with similar properties. This amino acid position is conserved. In addition, this alteration is predicted to be tolerated by in silico analysis. Since supporting evidence is limited at this time, the clinical significance of this alteration remains unclear.

Centre for Mendelian Genomics, University Medical Centre Ljubljana
Classification: Uncertain significance for Colorectal cancer. Last evaluated: 2019-05-07. Review status: criteria provided, single submitter. Criteria: ACMG Guidelines, 2015. Collection method: clinical testing. Allele origin: unknown. Affected: yes.
Comment: This variant was classified as: Uncertain significance. The available evidence on this variant's pathogenicity is insufficient or conflicting. The following ACMG criteria were applied in classifying this variant: PP3.

GeneDx
Classification: Uncertain significance. Last evaluated: 2019-02-15. Review status: criteria provided, single submitter. Criteria: GeneDx Variant Classification Process June 2021. Collection method: clinical testing. Allele origin: germline. Affected: yes.
Comment: In silico analysis, which includes protein predictors and evolutionary conservation, supports a deleterious effect; Has not been previously published as pathogenic or benign to our knowledge

NM_001211.6(BUB1B):c.1382A>C (p.Gln461Pro)

Gene: BUB1B (BUB1 mitotic checkpoint serine/threonine kinase B; plus strand). Cytogenetic location: 15q15.1.
Variant type: single nucleotide variant.
Coding change: c.1382A>C on transcript NM_001211.6 (MANE Select); coding-DNA position 1382, A replaced by C.
Protein change: p.Gln461Pro; replaces glutamine 461 with proline.
Molecular consequence: missense variant.
Genome position (GRCh38, 1-based): chr15:40,199,708, A>C. VCF-style: chr15-40199708-A-C. GRCh37 (hg19) VCF-style: chr15-40491909-A-C.
Other names: short protein forms Q461P.
Identifiers: ClinVar variation 403743 (VCV000403743.16), dbSNP rs747886467, ClinGen allele CA7475718.